The following is an entry in ClinVar:

NM_003482.4(KMT2D):c.9949_9956del (p.Leu3317fs)

Gene: KMT2D (lysine methyltransferase 2D; minus strand). Cytogenetic location: 12q13.12.
Variant type: Deletion.
Coding change: c.9949_9956del on transcript NM_003482.4 (MANE Select); coding-DNA positions 9949 to 9956, 8 bases deleted (CTTGCAGG; older notation c.9949_9956delCTTGCAGG).
Protein change: p.Leu3317fs; shifts the reading frame from leucine 3317.
Molecular consequence: frameshift variant.
Genome position (GRCh38, 1-based): chr12:49,037,400-49,037,407, CCTGCAAG deleted on the plus strand (CTTGCAGG on the coding strand, the reverse complement: KMT2D is on the minus strand). VCF-style (leftmost placement, unchanged base first): chr12-49037399-ACCTGCAAG-A. GRCh37 (hg19) VCF-style: chr12-49431182-ACCTGCAAG-A.
Other names: short protein forms L3317fs.
Identifiers: ClinVar variation 4845320 (VCV004845320.2).

ClinVar aggregate classification (germline): Pathogenic (1 of 4 stars; one submission).

Conditions:
Kabuki syndrome 1 (KABUK1). Also called: KMT2D-Related Kabuki Syndrome. Identifiers: Orphanet 2322, MedGen CN030661, MONDO:0007843, OMIM 147920.

Submission:

Victorian Clinical Genetics Services, Murdoch Childrens Research Institute
Classification: Pathogenic for Kabuki syndrome 1. Last evaluated: 2026-03-02. Review status: criteria provided, single submitter. Criteria: ACMG Guidelines, 2015. Collection method: clinical testing. Allele origin: germline. Affected: yes.
Comment: This variant is classified as Pathogenic. Evidence in support of pathogenic classification: Variant is predicted to cause nonsense-mediated decay (NMD) and loss of protein (premature termination codon is located at least 54 nucleotides upstream of the final exon-exon junction); Variant is absent from gnomAD (v2, v3 and v4); Other NMD-predicted variant(s) comparable to the one identified in this case have very strong previous evidence for pathogenicity (ClinVar). Additional information: This variant is heterozygous; This gene is associated with autosomal dominant disease; Loss of function is a known mechanism of disease in this gene and is associated with Kabuki syndrome 1 (MIM#147920) and branchial arch abnormalities, choanal atresia, athelia, hearing loss, and hypothyroidism syndrome (MIM#620186); Variants in this gene associated with Kabuki syndrome 1 (MIM#147920) are known to have variable expressivity (PMIDs: 21882399). Additionally, missense variants in exons 38-39 are associated with a phenotype distinct from Kabuki syndrome (PMIDs: 31949313, 35060672); Inheritance information for this variant is not currently available in this individual.

Literature cited by the submitters: PubMed 35060672; PubMed 21882399; PubMed 31949313.